The following is an entry in ClinVar:

ClinVar aggregate classification (germline): Pathogenic/Likely pathogenic. Review status: criteria provided, multiple submitters, no conflicts (2 of 4 stars). 10 submissions from 10 submitters: Pathogenic (3); Likely pathogenic (6). 1 of the submissions does not count toward it. Last evaluated 2026-01-22.

Conditions:
USH2A-related disorder. Also called: USH2A-related disorders; USH2A-related condition. Identifiers: MedGen CN239332.
Retinal dystrophy. Also called: Inherited retinal dystrophy. Identifiers: Orphanet 71862, MedGen C0854723, MeSH D058499, MONDO:0019118, HP:0000556.
Retinitis pigmentosa (RP). Identifiers: Orphanet 791, MedGen C0035334, MeSH D012174, MONDO:0019200, OMIM 268000. Inheritance: Autosomal dominant, autosomal recessive and X linked inheritance.
Usher syndrome type 2A. Also called: USHER SYNDROME, TYPE IIA; RETINAL DISEASE IN USHER SYNDROME TYPE IIA, MODIFIER OF. Identifiers: Orphanet 231178, Orphanet 886, MedGen C1848634, MONDO:0010169, OMIM 276901.
Retinitis pigmentosa 39 (RP39). Identifiers: Orphanet 791, MedGen C3151138, MONDO:0013436, OMIM 613809.

Allele frequency attached by ClinVar (database versions not stated): gnomAD exomes 0.00001; ExAC 0.00002; gnomAD 0.00002 and 0.00003.
gnomAD v4.1: 25 of 1,613,234 alleles (0.0015%); highest among the groups gnomAD compares: Middle Eastern, 0.016%; no homozygotes.

Submissions (10):

Labcorp Genetics (formerly Invitae), Labcorp
Classification: Pathogenic. Last evaluated: 2026-01-22. Review status: criteria provided, single submitter. Criteria: Invitae Variant Classification Sherloc (09022015). Collection method: clinical testing. Allele origin: germline.
Comment: This sequence change replaces arginine, which is basic and polar, with histidine, which is basic and polar, at codon 464 of the USH2A protein (p.Arg464His). This variant is present in population databases (rs771000800, gnomAD 0.007%). This missense change has been observed in individual(s) with retinitis pigmentosa (PMID: 28157192, 30718709). In at least one individual the data is consistent with being in trans (on the opposite chromosome) from a pathogenic variant. ClinVar contains an entry for this variant (Variation ID: 636117). Invitae Evidence Modeling of protein sequence and biophysical properties (such as structural, functional, and spatial information, amino acid conservation, physicochemical variation, residue mobility, and thermodynamic stability) has been performed for this missense variant. However, the output from this modeling did not meet the statistical confidence thresholds required to predict the impact of this variant on USH2A protein function. This variant disrupts the p.Arg464 amino acid residue in USH2A. Other variant(s) that disrupt this residue have been determined to be pathogenic (PMID: 28559085; internal data). This suggests that this residue is clinically significant, and that variants that disrupt this residue are likely to be disease-causing. For these reasons, this variant has been classified as Pathogenic.

Natera, Inc.
Classification: Likely pathogenic for Usher syndrome type 2A. Last evaluated: 2025-02-06. Review status: criteria provided, single submitter. Criteria: Natera Variant Classification Schema (03/2026). Collection method: clinical testing. Allele origin: germline.
Comment: The c.1391G>A variant in USH2A is a missense variant predicted to cause substitution of arginine to histidine at amino acid 464. This variant is rare in the general population with a frequency below the threshold expected for the associated phenotype(s). This variant has been observed in one or more individuals affected with the associated recessive disease, as either homozygous or compound heterozygous with a second variant (PMID: 38219857, 36819107, 28157192). Computational prediction algorithms indicate this variant is likely to affect gene or protein function. Given the available evidence, this variant is classified as Likely Pathogenic.

Blueprint Genetics
Classification: Pathogenic for USH2A-related disorders. Last evaluated: 2024-11-17. Review status: criteria provided, single submitter. Criteria: ACMG Guidelines, 2015. Collection method: clinical testing. Allele origin: germline. Affected: yes. Observed: 5 variant alleles.

Fulgent Genetics
Classification: Likely pathogenic for Usher syndrome type 2A; Retinitis pigmentosa 39. Last evaluated: 2024-06-18. Review status: criteria provided, single submitter. Criteria: ACMG Guidelines, 2015. Collection method: clinical testing. Allele origin: germline.

Baylor Genetics
Classification: Pathogenic for Retinitis pigmentosa 39. Last evaluated: 2024-01-01. Review status: criteria provided, single submitter. Criteria: ACMG Guidelines, 2015. Collection method: clinical testing. Allele origin: unknown.

Genome-Nilou Lab
Classification: Likely pathogenic for Retinitis pigmentosa 39. Last evaluated: 2023-11-04. Review status: criteria provided, single submitter. Criteria: ACMG Guidelines, 2015. Collection method: clinical testing. Allele origin: germline. Affected: no.

Dept Of Ophthalmology, Nagoya University
Classification: Likely pathogenic for Retinal dystrophy. Last evaluated: 2023-10-01. Review status: criteria provided, single submitter. Criteria: Submitter's publication. Collection method: research. Allele origin: germline. Affected: yes.

Institute of Human Genetics, Univ. Regensburg, Univ. Regensburg
Classification: Likely pathogenic for Retinal dystrophy. Last evaluated: 2022-01-01. Review status: criteria provided, single submitter. Criteria: ACMG Guidelines, 2015. Collection method: clinical testing. Allele origin: germline. Affected: yes.

Kariminejad - Najmabadi Pathology & Genetics Center
Classification: Likely pathogenic for Usher syndrome type 2A. Review status: criteria provided, single submitter. Criteria: ACMG Guidelines, 2015. Collection method: clinical testing. Allele origin: germline. Affected: no.

Department of Clinical Genetics, Copenhagen University Hospital, Rigshospitalet
Classification: Likely pathogenic for Retinitis pigmentosa. Last evaluated: 2018-04-01. Review status: no assertion criteria provided. Collection method: research. Allele origin: unknown. Affected: yes. Study: VeluxRD. Not counted in ClinVar's aggregate classification.

Literature cited by the submitters: PubMed 28157192 (cited by 3 submitters); PubMed 30718709 (cited by Labcorp Genetics (formerly Invitae), Labcorp and Department of Clinical Genetics, Copenhagen University Hospital, Rigshospitalet); PubMed 28559085 (cited by Labcorp Genetics (formerly Invitae), Labcorp); PubMed 38219857 (cited by Natera, Inc.); PubMed 36819107 (cited by Natera, Inc. and Institute of Human Genetics, Univ. Regensburg, Univ. Regensburg).

NM_206933.4(USH2A):c.1391G>A (p.Arg464His)

Gene: USH2A (usherin; minus strand). Cytogenetic location: 1q41.
Variant type: single nucleotide variant.
Coding change: c.1391G>A on transcript NM_206933.4 (MANE Select); coding-DNA position 1391, G replaced by A.
Protein change: p.Arg464His; replaces arginine 464 with histidine.
Molecular consequence: missense variant.
Genome position (GRCh38, 1-based): chr1:216,323,633, C>T on the plus strand (G>A on the coding strand, the complement: USH2A is on the minus strand). VCF-style: chr1-216323633-C-T. GRCh37 (hg19) VCF-style: chr1-216496975-C-T.
Other names: c.1391G>A, p.Arg464His (NM_007123.6); short protein forms R464H.
Identifiers: ClinVar variation 636117 (VCV000636117.20), dbSNP rs771000800, ClinGen allele CA1396531.
Genomic context (GRCh38, chr1:216,323,633, plus strand): 5'-TGCGTGGCTTTTACGAACTCTTGAAGAGATGGGGTATTATAGAAGTTATTGTATCCAGGA[C>T]GATAATTTGGTCCAGGTGTCAGGATGCTAAATGTGACATTGCCACGGGAATATGGAGTAA-3'
Protein context (NP_996816.3, residues 454-474): FSILTPGPNY[Arg464His]PGYNNFYNTP